The following is an entry in ClinVar:

ClinVar aggregate classification (germline): Uncertain significance (1 of 4 stars; one submission).

Submission:

GeneDx
Classification: Uncertain significance. Last evaluated: 2026-03-01. Review status: criteria provided, single submitter. Criteria: GeneDx Variant Classification Process June 2021. Collection method: clinical testing. Allele origin: germline.
Comment: Not observed at significant frequency in large population cohorts (gnomAD); In silico analysis supports that this missense variant has a deleterious effect on protein structure/function; Has not been previously published as pathogenic or benign to our knowledge

NM_004859.4(CLTC):c.4690G>A (p.Glu1564Lys)

Gene: CLTC (clathrin heavy chain; plus strand). Cytogenetic location: 17q23.1.
Variant type: single nucleotide variant.
Coding change: c.4690G>A on transcript NM_004859.4 (MANE Select); coding-DNA position 4690, G replaced by A.
Protein change: p.Glu1564Lys; replaces glutamic acid 1564 with lysine.
Molecular consequence: missense variant.
Genome position (GRCh38, 1-based): chr17:59,685,671, G>A. VCF-style: chr17-59685671-G-A. GRCh37 (hg19) VCF-style: chr17-57763032-G-A.
Other names: c.4702G>A, p.Glu1568Lys (NM_001288653.2); short protein forms E1564K, E1568K.
Identifiers: ClinVar variation 4975080 (VCV004975080.1).
Genomic context (GRCh38, chr17:59,685,671, plus strand): 5'-TCTAAAGATACTGAATTGGCTGAAGAACTCCTGCAGTGGTTTTTGCAGGAAGAAAAAAGA[G>A]AGTGCTTTGGAGCTTGTCTGTTTACCTGTTACGATCTTTTAAGGCCAGATGTCGTCCTAG-3'
Protein context (NP_004850.1, residues 1554-1574): LQWFLQEEKR[Glu1564Lys]CFGACLFTCY